The following is an entry in ClinVar:

ClinVar aggregate classification (germline): Benign. Review status: criteria provided, multiple submitters, no conflicts (2 of 4 stars). 3 submissions from 3 submitters: Benign (2). 1 of the submissions does not count toward it. Last evaluated 2026-02-03.

Conditions:
MESP1-related disorder. Also called: MESP1-related condition.

Allele frequency attached by ClinVar (database versions not stated): 1000 Genomes Project 0.58866; gnomAD 0.64881 and 0.65713; TOPMed 0.65894; 1000 Genomes Project 30x 0.59994; gnomAD exomes 0.62284 and 0.54853; ExAC 0.63702; ESP Exome Variant Server 0.74708.
gnomAD v4.1: 926,981 of 1,481,144 alleles (63%); highest among the groups gnomAD compares: African/African-American, 82%; 296,049 homozygotes.

Submissions (3):

Labcorp Genetics (formerly Invitae), Labcorp
Classification: Benign. Last evaluated: 2026-02-03. Review status: criteria provided, single submitter. Criteria: Invitae Variant Classification Sherloc (09022015). Collection method: clinical testing. Allele origin: germline.

Breakthrough Genomics
Classification: Benign. Review status: criteria provided, single submitter. Criteria: ACMG Guidelines, 2015. Collection method: not provided. Allele origin: germline. Inheritance: Unknown mechanism. Affected: yes.

PreventionGenetics, part of Exact Sciences
Classification: Benign for MESP1-related condition. Last evaluated: 2019-11-11. Review status: no assertion criteria provided. Collection method: clinical testing. Allele origin: germline. Not counted in ClinVar's aggregate classification.
Comment: This variant is classified as benign based on ACMG/AMP sequence variant interpretation guidelines (Richards et al. 2015 PMID: 25741868, with internal and published modifications).

NM_018670.4(MESP1):c.687T>G (p.Pro229=)

Genes: MESP1 (mesoderm posterior bHLH transcription factor 1; minus strand), LOC130057888 (ATAC-STARR-seq lymphoblastoid silent region 6803; plus strand). Cytogenetic location: 15q26.1.
Variant type: single nucleotide variant.
Coding change: c.687T>G on transcript NM_018670.4 (MANE Select); coding-DNA position 687, T replaced by G.
Protein change: p.Pro229=; no amino-acid change (proline 229 retained).
Molecular consequence: synonymous variant.
Genome position (GRCh38, 1-based): chr15:89,750,545, A>C on the plus strand (T>G on the coding strand, the complement: MESP1 is on the minus strand). VCF-style: chr15-89750545-A-C. GRCh37 (hg19) VCF-style: chr15-90293776-A-C.
Other names: c.687T>G (NM_018670.3).
Identifiers: ClinVar variation 1601156 (VCV001601156.11), dbSNP rs2305441, ClinGen allele CA7730158.